The following is an entry in ClinVar:

NM_000059.4(BRCA2):c.6842-14A>T

Gene: BRCA2 (BRCA2 DNA repair associated; plus strand). Cytogenetic location: 13q13.1.
Variant type: single nucleotide variant.
Coding change: c.6842-14A>T on transcript NM_000059.4 (MANE Select); 14 bases into the intron before coding-DNA position 6842, A replaced by T.
Molecular consequence: intron variant.
Genome position (GRCh38, 1-based): chr13:32,344,544, A>T. VCF-style: chr13-32344544-A-T. GRCh37 (hg19) VCF-style: chr13-32918681-A-T.
Identifiers: ClinVar variation 215612 (VCV000215612.24), dbSNP rs81002821, ClinGen allele CA337311.

ClinVar aggregate classification (germline): Conflicting classifications of pathogenicity. Review status: criteria provided, conflicting classifications (1 of 4 stars). 7 submissions from 7 submitters: Uncertain significance (1); Benign (1); Likely benign (5). Last evaluated 2026-05-25.

Conditions:
BRCA2-related disorder. Also called: BRCA2-related condition; BRCA2-related disorders. Identifiers: MedGen CN239275.
Hereditary cancer-predisposing syndrome. Also called: Neoplastic Syndromes, Hereditary; Tumor predisposition; Hereditary Cancer Syndrome; Hereditary neoplastic syndrome. Identifiers: Orphanet 140162, MedGen C0027672, MeSH D009386, MONDO:0015356.
Hereditary breast ovarian cancer syndrome. Also called: Hereditary breast and ovarian cancer; Hereditary breast and ovarian cancer syndrome (HBOC); Breast and ovarian cancer; BRCA1- and BRCA2-Associated Hereditary Breast and Ovarian Cancer; Hereditary breast and/or ovarian cancer syndrome; Hereditary breast and ovarian cancer syndrome. Identifiers: Orphanet 145, MedGen C0677776, MeSH D061325, MONDO:0003582. Disease mechanism: loss of function.
Breast-ovarian cancer, familial, susceptibility to, 2 (BROVCA2). Also called: BRCA2 Hereditary Breast and Ovarian Cancer. Identifiers: Orphanet 145, MedGen C2675520, MONDO:0012933, OMIM 612555. Disease mechanism: loss of function.

Allele frequency attached by ClinVar (database versions not stated): gnomAD 0.00001; ExAC 0.00002; TOPMed 0.00002; ESP Exome Variant Server 0.00008.
gnomAD v4.1: 14 of 1,463,372 alleles (0.00096%); highest among the groups gnomAD compares: Non-Finnish European, 0.0013%; no homozygotes.

Submissions (7):

PreventionGenetics, part of Exact Sciences
Classification: Likely benign for BRCA2-related condition. Last evaluated: 2026-05-25. Review status: criteria provided, single submitter. Criteria: ACMG Guidelines, 2015. Collection method: clinical testing. Allele origin: germline.
Comment: This variant is classified as likely benign based on ACMG/AMP sequence variant interpretation guidelines (Richards et al. 2015 PMID: 25741868, with internal and published modifications).

Women's Health and Genetics/Laboratory Corporation of America, LabCorp
Classification: Likely benign. Last evaluated: 2026-03-11. Review status: criteria provided, single submitter. Criteria: LabCorp Variant Classification Summary - May 2015. Collection method: clinical testing. Allele origin: germline.
Comment: Variant summary: BRCA2 c.6842-14A>T alters a nucleotide located at a position not widely known to affect splicing. Consensus agreement among computation tools predict no significant impact on normal splicing. However, these predictions have yet to be confirmed by functional studies. The variant allele was found at a frequency of 4.2e-06 in 240564 control chromosomes. The available data on variant occurrences in the general population are insufficient to allow any conclusion about variant significance. To our knowledge, no occurrence of c.6842-14A>T in individuals affected with BRCA2-related conditions and no experimental evidence demonstrating its impact on protein function have been reported. ClinVar contains an entry for this variant (Variation ID: 215612). Based on the evidence outlined above, the variant was classified as likely benign.

Labcorp Genetics (formerly Invitae), Labcorp
Classification: Likely benign for Hereditary breast ovarian cancer syndrome. Last evaluated: 2026-01-27. Review status: criteria provided, single submitter. Criteria: Invitae Variant Classification Sherloc (09022015). Collection method: clinical testing. Allele origin: germline.

Molecular Pathology, Peter Maccallum Cancer Centre
Classification: Uncertain significance for Breast-ovarian cancer, familial, susceptibility to, 2. Last evaluated: 2025-02-21. Review status: criteria provided, single submitter. Criteria: ACMG Guidelines, 2015. Collection method: clinical testing. Allele origin: germline. Inheritance: Autosomal dominant inheritance.

All of Us Research Program, National Institutes of Health
Classification: Likely benign for Breast-ovarian cancer, familial, susceptibility to, 2. Last evaluated: 2023-11-30. Review status: criteria provided, single submitter. Criteria: ACMG Guidelines, 2015. Collection method: clinical testing. Allele origin: germline. Inheritance: Autosomal dominant inheritance. Observed: 4 variant alleles, 4 heterozygotes.
Comment: This study involves interpretation of variants in research participants for the purpose of population health screening. Participant phenotype was not available at the time of variant classification. Additional details can be found in publication PMID: 35346344, PMCID: PMC8962531

Color Diagnostics, LLC DBA Color Health
Classification: Likely benign for Hereditary cancer-predisposing syndrome. Last evaluated: 2017-02-09. Review status: criteria provided, single submitter. Criteria: ACMG Guidelines, 2015. Collection method: clinical testing. Allele origin: germline.

GeneDx
Classification: Benign. Last evaluated: 2015-03-03. Review status: criteria provided, single submitter. Criteria: GeneDx Variant Classification Process June 2021. Collection method: clinical testing. Allele origin: germline. Affected: yes.